The following is an entry in ClinVar:

NM_016203.4(PRKAG2):c.1321C>T (p.Pro441Ser)

Gene: PRKAG2 (protein kinase AMP-activated non-catalytic subunit gamma 2; minus strand). Cytogenetic location: 7q36.1.
Variant type: single nucleotide variant.
Coding change: c.1321C>T on transcript NM_016203.4 (MANE Select); coding-DNA position 1321, C replaced by T.
Protein change: p.Pro441Ser; replaces proline 441 with serine.
Molecular consequence: missense variant.
Genome position (GRCh38, 1-based): chr7:151,565,798, G>A on the plus strand (C>T on the coding strand, the complement: PRKAG2 is on the minus strand). VCF-style: chr7-151565798-G-A. GRCh37 (hg19) VCF-style: chr7-151262884-G-A.
Other names: c.1189C>T, p.Pro397Ser (NM_001040633.2, NM_001407024.1); c.946C>T, p.Pro316Ser (NM_001304527.2, NM_001407029.1); c.598C>T, p.Pro200Ser (NM_001304531.2, NM_001407034.1, NM_001407035.1 and 1 more transcripts); c.949C>T, p.Pro317Ser (NM_001363698.2, NM_001407028.1); c.1321C>T, p.Pro441Ser (NM_001407021.1); c.1318C>T, p.Pro440Ser (NM_001407022.1, NM_001407023.1); c.1186C>T, p.Pro396Ser (NM_001407026.1, NM_001407027.1); c.1033C>T, p.Pro345Ser (NM_001407030.1); and 6 more; short protein forms P200S, P333S, P335S, P199S, P345S, P216S, P220S, P317S.
Identifiers: ClinVar variation 1769917 (VCV001769917.3), dbSNP rs2536296557, ClinGen allele CA370071023.
Genomic context (GRCh38, chr7:151,565,798, plus strand): 5'-GCAGAGCTGATATTCGTCTTTCCACAAATATGTTCAAGGCTTTGATGATGGGAGTGTCTG[G>A]ATGTATGAAGGCAATGTTGTGGTACGTTCCTATTCCAAGCTCATCCAGGTTCTGCTTCAT-3'
Protein context (NP_057287.2, residues 431-451): GTYHNIAFIH[Pro441Ser]DTPIIKALNI

ClinVar aggregate classification (germline): Uncertain significance. Review status: criteria provided, multiple submitters, no conflicts (2 of 4 stars). 2 submissions from 2 submitters: Uncertain significance (2). Last evaluated 2025-07-22.

Conditions:
Cardiovascular phenotype. Identifiers: MedGen CN230736.
Lethal congenital glycogen storage disease of heart. Also called: GLYCOGEN STORAGE DISEASE OF HEART; PHOSPHORYLASE KINASE DEFICIENCY OF HEART. Identifiers: Orphanet 439854, MedGen C1849813, MONDO:0009867, OMIM 261740.

Allele frequency attached by ClinVar (database versions not stated): gnomAD exomes below 0.00001.
gnomAD v4.1: 1 of 1,612,020 alleles (0.000062%); highest among the groups gnomAD compares: Admixed American, 0.0017%; no homozygotes.

Submissions (2):

Labcorp Genetics (formerly Invitae), Labcorp
Classification: Uncertain significance for Lethal congenital glycogen storage disease of heart. Last evaluated: 2025-07-22. Review status: criteria provided, single submitter. Criteria: Invitae Variant Classification Sherloc (09022015). Collection method: clinical testing. Allele origin: germline.
Comment: This sequence change replaces proline, which is neutral and non-polar, with serine, which is neutral and polar, at codon 441 of the PRKAG2 protein (p.Pro441Ser). This variant is not present in population databases (gnomAD no frequency). This variant has not been reported in the literature in individuals affected with PRKAG2-related conditions. ClinVar contains an entry for this variant (Variation ID: 1769917). Invitae Evidence Modeling of protein sequence and biophysical properties (such as structural, functional, and spatial information, amino acid conservation, physicochemical variation, residue mobility, and thermodynamic stability) has been performed for this missense variant. However, the output from this modeling did not meet the statistical confidence thresholds required to predict the impact of this variant on PRKAG2 protein function. In summary, the available evidence is currently insufficient to determine the role of this variant in disease. Therefore, it has been classified as a Variant of Uncertain Significance.

Ambry Genetics
Classification: Uncertain significance for Cardiovascular phenotype. Last evaluated: 2021-01-12. Review status: criteria provided, single submitter. Criteria: Ambry Variant Classification Scheme 2023. Collection method: clinical testing. Allele origin: germline.
Comment: The p.P441S variant (also known as c.1321C>T), located in coding exon 12 of the PRKAG2 gene, results from a C to T substitution at nucleotide position 1321. The proline at codon 441 is replaced by serine, an amino acid with similar properties. This amino acid position is highly conserved in available vertebrate species. In addition, this alteration is predicted to be deleterious by in silico analysis. Since supporting evidence is limited at this time, the clinical significance of this alteration remains unclear.